The following is an entry in ClinVar:

ClinVar aggregate classification (germline): Uncertain significance (1 of 4 stars; one submission).

Allele frequency attached by ClinVar (database versions not stated): gnomAD exomes 0.00001; ExAC 0.00002.
gnomAD v4.1: 4 of 1,611,064 alleles (0.00025%); highest among the groups gnomAD compares: Admixed American, 0.0033%; no homozygotes.

Submission:

GeneDx
Classification: Uncertain significance. Last evaluated: 2023-02-13. Review status: criteria provided, single submitter. Criteria: GeneDx Variant Classification Process June 2021. Collection method: clinical testing. Allele origin: germline. Affected: yes.
Comment: Has not been previously published as pathogenic or benign to our knowledge; Not observed at significant frequency in large population cohorts (gnomAD); In silico analysis supports that this missense variant does not alter protein structure/function; In silico analysis supports a deleterious effect on splicing

NM_006440.5(TXNRD2):c.1462G>T (p.Ala488Ser)

Gene: TXNRD2 (thioredoxin reductase 2; minus strand). Cytogenetic location: 22q11.21.
Variant type: single nucleotide variant.
Coding change: c.1462G>T on transcript NM_006440.5 (MANE Select); coding-DNA position 1462, G replaced by T.
Protein change: p.Ala488Ser; replaces alanine 488 with serine.
Molecular consequence: missense variant.
Genome position (GRCh38, 1-based): chr22:19,877,218, C>A on the plus strand (G>T on the coding strand, the complement: TXNRD2 is on the minus strand). VCF-style: chr22-19877218-C-A. GRCh37 (hg19) VCF-style: chr22-19864741-C-A.
Other names: c.1459G>T, p.Ala487Ser (NM_001352300.2); c.1372G>T, p.Ala458Ser (NM_001352301.2); c.1174G>T, p.Ala392Ser (NM_001352302.2); short protein forms A392S, A458S, A487S, A488S.
Identifiers: ClinVar variation 2430625 (VCV002430625.1), dbSNP rs757179801, ClinGen allele CA10103621.
Genomic context (GRCh38, chr22:19,877,218, plus strand): 5'-GCAGCTTGACTACCTCCTCAGAGCATGTGGGATGGATACCCACGGTCCGCATCACCTGCG[C>A]ATAGGAAGCCCCACACCTGCACATGGGGGATGGGGGAGGCAGGCGGGGTCAGCACAGGGA-3'
Protein context (NP_006431.2, residues 478-498): ALGIKCGASY[Ala488Ser]QVMRTVGIHP